The following is an entry in ClinVar:

ClinVar aggregate classification (germline): Uncertain significance (1 of 4 stars; one submission).

Submission:

GeneDx
Classification: Uncertain significance. Last evaluated: 2024-12-16. Review status: criteria provided, single submitter. Criteria: GeneDx Variant Classification Process June 2021. Collection method: clinical testing. Allele origin: germline. Affected: yes.
Comment: Not observed at significant frequency in large population cohorts (gnomAD); In silico analysis indicates that this missense variant does not alter protein structure/function; Has not been previously published as pathogenic or benign to our knowledge

NM_013245.3(VPS4A):c.574G>C (p.Val192Leu)

Gene: VPS4A (vacuolar protein sorting 4 homolog A; plus strand). Cytogenetic location: 16q22.1.
Variant type: single nucleotide variant.
Coding change: c.574G>C on transcript NM_013245.3 (MANE Select); coding-DNA position 574, G replaced by C.
Protein change: p.Val192Leu; replaces valine 192 with leucine.
Molecular consequence: missense variant.
Genome position (GRCh38, 1-based): chr16:69,319,497, G>C. VCF-style: chr16-69319497-G-C. GRCh37 (hg19) VCF-style: chr16-69353400-G-C.
Other names: short protein forms V192L.
Identifiers: ClinVar variation 3906547 (VCV003906547.1).
Genomic context (GRCh38, chr16:69,319,497, plus strand): 5'-GGGAAATCCTACCTGGCCAAAGCCGTGGCAACAGAGGCCAACAACTCCACCTTCTTCTCT[G>C]TGTCCTCCTCAGATCTGATGTCCAAGTGGCTGGGGGAGAGTGAAAAGTAAGTCGGCCACC-3'
Protein context (NP_037377.1, residues 182-202): TEANNSTFFS[Val192Leu]SSSDLMSKWL